The following is an entry in ClinVar:

ClinVar aggregate classification (germline): Uncertain significance (1 of 4 stars; one submission).

Allele frequency attached by ClinVar (database versions not stated): gnomAD exomes 0.00001; gnomAD 0.00002; ExAC 0.00003; TOPMed 0.00004; ESP Exome Variant Server 0.00016.
gnomAD v4.1: 12 of 1,613,620 alleles (0.00074%); highest among the groups gnomAD compares: East Asian, 0.0045%; no homozygotes.

Submission:

Labcorp Genetics (formerly Invitae), Labcorp
Classification: Uncertain significance. Last evaluated: 2023-03-25. Review status: criteria provided, single submitter. Criteria: Invitae Variant Classification Sherloc (09022015). Collection method: clinical testing. Allele origin: germline.
Comment: This sequence change replaces asparagine, which is neutral and polar, with serine, which is neutral and polar, at codon 709 of the RNF31 protein (p.Asn709Ser). This variant is present in population databases (rs199575328, gnomAD 0.01%). This variant has not been reported in the literature in individuals affected with RNF31-related conditions. An algorithm developed to predict the effect of missense changes on protein structure and function (PolyPhen-2) suggests that this variant is likely to be tolerated. In summary, the available evidence is currently insufficient to determine the role of this variant in disease. Therefore, it has been classified as a Variant of Uncertain Significance.

NM_017999.5(RNF31):c.2126A>G (p.Asn709Ser)

Gene: RNF31 (ring finger protein 31; plus strand). Cytogenetic location: 14q12.
Variant type: single nucleotide variant.
Coding change: c.2126A>G on transcript NM_017999.5 (MANE Select); coding-DNA position 2126, A replaced by G.
Protein change: p.Asn709Ser; replaces asparagine 709 with serine.
Molecular consequence: missense variant.
Genome position (GRCh38, 1-based): chr14:24,151,988, A>G. VCF-style: chr14-24151988-A-G. GRCh37 (hg19) VCF-style: chr14-24621197-A-G.
Other names: c.1673A>G, p.Asn558Ser (NM_001310332.2); short protein forms N709S, N558S.
Identifiers: ClinVar variation 2972186 (VCV002972186.3), dbSNP rs199575328, ClinGen allele CA7125968.